The following is an entry in ClinVar:

ClinVar aggregate classification (germline): Uncertain significance (1 of 4 stars; one submission).

Submission:

Labcorp Genetics (formerly Invitae), Labcorp
Classification: Uncertain significance. Last evaluated: 2025-03-26. Review status: criteria provided, single submitter. Criteria: Invitae Variant Classification Sherloc (09022015). Collection method: clinical testing. Allele origin: germline.
Comment: This variant, c.336_338del, results in the deletion of 1 amino acid(s) of the ALPK1 protein (p.Phe112del), but otherwise preserves the integrity of the reading frame. This variant is present in population databases (rs755619682, gnomAD 0.004%). This variant has not been reported in the literature in individuals affected with ALPK1-related conditions. ClinVar contains an entry for this variant (Variation ID: 1984193). Experimental studies and prediction algorithms are not available or were not evaluated, and the functional significance of this variant is currently unknown. In summary, the available evidence is currently insufficient to determine the role of this variant in disease. Therefore, it has been classified as a Variant of Uncertain Significance.

NM_025144.4(ALPK1):c.336_338del (p.Phe112del)

Gene: ALPK1 (alpha kinase 1; plus strand). Cytogenetic location: 4q25.
Variant type: Deletion.
Coding change: c.336_338del on transcript NM_025144.4 (MANE Select); coding-DNA positions 336 to 338, 3 bases deleted (CTT; older notation c.336_338delCTT).
Protein change: p.Phe112del; deletes phenylalanine 112.
Molecular consequence: inframe deletion.
Genome position (GRCh38, 1-based): chr4:112,411,886-112,411,888, CTT deleted; deleting any 3 consecutive bases within chr4:112,411,884-112,411,888 gives the same sequence; the c. name uses the placement nearest the transcript's 3' end. VCF-style (leftmost placement, unchanged base first): chr4-112411883-GTTC-G. GRCh37 (hg19) VCF-style: chr4-113333039-GTTC-G.
Other names: c.336_338del, p.Phe112del (NM_001102406.2); c.102_104del, p.Phe34del (NM_001253884.2); short protein forms F112del, F34del.
Identifiers: ClinVar variation 1984193 (VCV001984193.4), dbSNP rs755619682, ClinGen allele CA3046341.